The following is an entry in ClinVar:

NM_001128.6(AP1G1):c.1756G>T (p.Val586Phe)

Gene: AP1G1 (adaptor related protein complex 1 subunit gamma 1; minus strand). Cytogenetic location: 16q22.2.
Variant type: single nucleotide variant.
Coding change: c.1756G>T on transcript NM_001128.6 (MANE Select); coding-DNA position 1756, G replaced by T.
Protein change: p.Val586Phe; replaces valine 586 with phenylalanine.
Molecular consequence: missense variant.
Genome position (GRCh38, 1-based): chr16:71,745,589, C>A on the plus strand (G>T on the coding strand, the complement: AP1G1 is on the minus strand). VCF-style: chr16-71745589-C-A. GRCh37 (hg19) VCF-style: chr16-71779492-C-A.
Other names: c.1765G>T, p.Val589Phe (NM_001030007.2); short protein forms V586F, V589F.
Identifiers: ClinVar variation 3900388 (VCV003900388.1).

ClinVar aggregate classification (germline): Uncertain significance (1 of 4 stars; one submission).

Submission:

GeneDx
Classification: Uncertain significance. Last evaluated: 2024-11-18. Review status: criteria provided, single submitter. Criteria: GeneDx Variant Classification Process June 2021. Collection method: clinical testing. Allele origin: germline. Affected: yes.
Comment: Not observed at significant frequency in large population cohorts (gnomAD); In silico analysis indicates that this missense variant does not alter protein structure/function; Has not been previously published as pathogenic or benign to our knowledge